The following is an entry in ClinVar:

ClinVar aggregate classification (germline): Uncertain significance (1 of 4 stars; one submission).

Conditions:
FG syndrome (FGS). Identifiers: MedGen C0220769, MONDO:0002010.

Submission:

Labcorp Genetics (formerly Invitae), Labcorp
Classification: Uncertain significance for FG syndrome. Last evaluated: 2025-12-14. Review status: criteria provided, single submitter. Criteria: Invitae Variant Classification Sherloc (09022015). Collection method: clinical testing. Allele origin: germline.
Comment: This sequence change replaces threonine, which is neutral and polar, with serine, which is neutral and polar, at codon 690 of the MED12 protein (p.Thr690Ser). This variant is not present in population databases (gnomAD no frequency). This variant has not been reported in the literature in individuals affected with MED12-related conditions. Invitae Evidence Modeling of protein sequence and biophysical properties (such as structural, functional, and spatial information, amino acid conservation, physicochemical variation, residue mobility, and thermodynamic stability) indicates that this missense variant is not expected to disrupt MED12 protein function with a negative predictive value of 95%. In summary, the available evidence is currently insufficient to determine the role of this variant in disease. Therefore, it has been classified as a Variant of Uncertain Significance.

NM_005120.3(MED12):c.2069C>G (p.Thr690Ser)

Gene: MED12 (mediator complex subunit 12; plus strand). Cytogenetic location: Xq13.1.
Variant type: single nucleotide variant.
Coding change: c.2069C>G on transcript NM_005120.3 (MANE Select); coding-DNA position 2069, C replaced by G.
Protein change: p.Thr690Ser; replaces threonine 690 with serine.
Molecular consequence: missense variant.
Genome position (GRCh38, 1-based): chrX:71,124,989, C>G. VCF-style: chrX-71124989-C-G. GRCh37 (hg19) VCF-style: chrX-70344839-C-G.
Other names: short protein forms T690S.
Identifiers: ClinVar variation 4801064 (VCV004801064.1).